The following is an entry in ClinVar:

ClinVar aggregate classification (germline): Uncertain significance (1 of 4 stars; one submission).

Conditions:
PTPRQ-related disorder. Also called: PTPRQ-related condition.

gnomAD v4.1: 70 of 1,525,394 alleles (0.0046%); highest among the groups gnomAD compares: Non-Finnish European, 0.0056%; no homozygotes.

Submission:

PreventionGenetics, part of Exact Sciences
Classification: Uncertain significance for PTPRQ-related condition. Last evaluated: 2026-09-24. Review status: criteria provided, single submitter. Criteria: ACMG Guidelines, 2015. Collection method: clinical testing. Allele origin: germline.
Comment: The PTPRQ c.4555A>G variant is predicted to result in the amino acid substitution p.Asn1519Asp. To our knowledge, this variant has not been reported in the literature. This variant is reported in 0.0044% of alleles in individuals of European (Non-Finnish) descent in gnomAD. At this time, the clinical significance of this variant is uncertain due to the absence of conclusive functional and genetic evidence.

NM_001145026.2(PTPRQ):c.4555A>G (p.Asn1519Asp)

Gene: PTPRQ (protein tyrosine phosphatase receptor type Q; plus strand). Cytogenetic location: 12q21.31.
Variant type: single nucleotide variant.
Coding change: c.4555A>G on transcript NM_001145026.2 (MANE Select); coding-DNA position 4555, A replaced by G.
Protein change: p.Asn1519Asp; replaces asparagine 1519 with aspartic acid.
Molecular consequence: missense variant.
Genome position (GRCh38, 1-based): chr12:80,588,398, A>G. VCF-style: chr12-80588398-A-G. GRCh37 (hg19) VCF-style: chr12-80982177-A-G.
Other names: short protein forms N1519D.
Identifiers: ClinVar variation 4987554 (VCV004987554.1).